The following is an entry in ClinVar:

ClinVar aggregate classification (germline): Uncertain significance (1 of 4 stars; one submission).

Submission:

CeGaT Center for Human Genetics Tuebingen
Classification: Uncertain significance. Last evaluated: 2025-08-01. Review status: criteria provided, single submitter. Criteria: CeGaT Center For Human Genetics Tuebingen Variant Classification Criteria Version 2. Collection method: clinical testing. Allele origin: germline. Affected: yes. Observed: 1 variant allele.
Comment: FUS: PM2

NM_004960.4(FUS):c.653G>A (p.Arg218Lys)

Gene: FUS (FUS DNA/RNA binding protein; plus strand). Cytogenetic location: 16p11.2.
Variant type: single nucleotide variant.
Coding change: c.653G>A on transcript NM_004960.4 (MANE Select); coding-DNA position 653, G replaced by A.
Protein change: p.Arg218Lys; replaces arginine 218 with lysine.
Molecular consequence: missense variant. On other transcripts: non-coding transcript variant (1).
Genome position (GRCh38, 1-based): chr16:31,185,068, G>A. VCF-style: chr16-31185068-G-A. GRCh37 (hg19) VCF-style: chr16-31196389-G-A.
Other names: c.650G>A, p.Arg217Lys (NM_001170634.1); c.641G>A, p.Arg214Lys (NM_001170937.1); short protein forms R214K, R217K, R218K.
Identifiers: ClinVar variation 4085589 (VCV004085589.8).